The following is an entry in ClinVar:

ClinVar aggregate classification (germline): Uncertain significance (1 of 4 stars; one submission).

Conditions:
ALG9 congenital disorder of glycosylation (CDG1L). Also called: CONGENITAL DISORDER OF GLYCOSYLATION, TYPE Il; CDG Il; ALG9-CDG. Identifiers: Orphanet 79328, MedGen C2931006, MONDO:0012117, OMIM 608776.

Submission:

Labcorp Genetics (formerly Invitae), Labcorp
Classification: Uncertain significance for ALG9 congenital disorder of glycosylation. Last evaluated: 2025-11-22. Review status: criteria provided, single submitter. Criteria: Invitae Variant Classification Sherloc (09022015). Collection method: clinical testing. Allele origin: germline.
Comment: This sequence change replaces valine, which is neutral and non-polar, with glycine, which is neutral and non-polar, at codon 55 of the ATP6V0A2 protein (p.Val55Gly). This variant is not present in population databases (gnomAD no frequency). This variant has not been reported in the literature in individuals affected with ATP6V0A2-related conditions. Invitae Evidence Modeling of protein sequence and biophysical properties (such as structural, functional, and spatial information, amino acid conservation, physicochemical variation, residue mobility, and thermodynamic stability) indicates that this missense variant is expected to disrupt ATP6V0A2 protein function with a positive predictive value of 80%. In summary, the available evidence is currently insufficient to determine the role of this variant in disease. Therefore, it has been classified as a Variant of Uncertain Significance.

NM_012463.4(ATP6V0A2):c.164T>G (p.Val55Gly)

Gene: ATP6V0A2 (ATPase H+ transporting V0 subunit a2; plus strand). Cytogenetic location: 12q24.31.
Variant type: single nucleotide variant.
Coding change: c.164T>G on transcript NM_012463.4 (MANE Select); coding-DNA position 164, T replaced by G.
Protein change: p.Val55Gly; replaces valine 55 with glycine.
Molecular consequence: missense variant.
Genome position (GRCh38, 1-based): chr12:123,718,669, T>G. VCF-style: chr12-123718669-T-G. GRCh37 (hg19) VCF-style: chr12-124203216-T-G.
Other names: short protein forms V55G.
Identifiers: ClinVar variation 4745550 (VCV004745550.1).